The following is an entry in ClinVar:

NM_004990.4(MARS1):c.200+4A>T

Gene: MARS1 (methionyl-tRNA synthetase 1; plus strand). Cytogenetic location: 12q13.3.
Variant type: single nucleotide variant.
Coding change: c.200+4A>T on transcript NM_004990.4 (MANE Select); 4 bases into the intron after coding-DNA position 200, A replaced by T.
Molecular consequence: intron variant.
Genome position (GRCh38, 1-based): chr12:57,489,113, A>T. VCF-style: chr12-57489113-A-T. GRCh37 (hg19) VCF-style: chr12-57882896-A-T.
Identifiers: ClinVar variation 3763393 (VCV003763393.1).

ClinVar aggregate classification (germline): Uncertain significance (1 of 4 stars; one submission).

Conditions:
Severe early-onset pulmonary alveolar proteinosis due to MARS deficiency. Also called: PULMONARY ALVEOLAR PROTEINOSIS, REUNION ISLAND; Interstitial lung and liver disease. Identifiers: Orphanet 440427, MedGen C4225400, MONDO:0014206, OMIM 615486.
Charcot-Marie-Tooth disease axonal type 2U. Also called: CHARCOT-MARIE-TOOTH NEUROPATHY, TYPE 2U; CHARCOT-MARIE-TOOTH DISEASE, AXONAL, AUTOSOMAL DOMINANT, TYPE 2U. Identifiers: Orphanet 397735, MedGen C4084821, MONDO:0014566, OMIM 616280.

gnomAD v4.1: 2 of 1,613,818 alleles (0.00012%); highest among the groups gnomAD compares: Non-Finnish European, 0.00017%; no homozygotes.

Submission:

Labcorp Genetics (formerly Invitae), Labcorp
Classification: Uncertain significance for Charcot-Marie-Tooth disease axonal type 2U; Severe early-onset pulmonary alveolar proteinosis due to MARS deficiency. Last evaluated: 2024-03-27. Review status: criteria provided, single submitter. Criteria: Invitae Variant Classification Sherloc (09022015). Collection method: clinical testing. Allele origin: germline.
Comment: This sequence change falls in intron 2 of the MARS gene. It does not directly change the encoded amino acid sequence of the MARS protein. It affects a nucleotide within the consensus splice site. This variant is present in population databases (rs774241581, gnomAD 0.002%). This variant has not been reported in the literature in individuals affected with MARS-related conditions. Variants that disrupt the consensus splice site are a relatively common cause of aberrant splicing (PMID: 17576681, 9536098). Algorithms developed to predict the effect of sequence changes on RNA splicing suggest that this variant may disrupt the consensus splice site. In summary, the available evidence is currently insufficient to determine the role of this variant in disease. Therefore, it has been classified as a Variant of Uncertain Significance.

Literature cited by the submitters: PubMed 17576681; PubMed 9536098.